The following is an entry in ClinVar:

ClinVar aggregate classification (germline): Conflicting classifications of pathogenicity. Review status: criteria provided, conflicting classifications (1 of 4 stars). 3 submissions from 3 submitters: Uncertain significance (1); Likely benign (2). Last evaluated 2025-04-07.

Conditions:
Tuberous sclerosis 1 (TSC1). Identifiers: Orphanet 805, MedGen C1854465, MONDO:0008612, OMIM 191100.

Allele frequency attached by ClinVar (database versions not stated): gnomAD exomes below 0.00001; ExAC 0.00001; gnomAD 0.00001; TOPMed 0.00001.
gnomAD v4.1: 3 of 1,612,790 alleles (0.00019%); highest among the groups gnomAD compares: Non-Finnish European, 0.00025%; no homozygotes.

Submissions (3):

Myriad Genetics, Inc.
Classification: Likely benign for Tuberous sclerosis 1. Last evaluated: 2025-04-07. Review status: criteria provided, single submitter. Criteria: Myriad Autosomal Dominant, Autosomal Recessive and X-Linked Classification Criteria (2023). Collection method: clinical testing. Allele origin: unknown.
Comment: This variant is considered likely benign. This variant is intronic and is not expected to impact mRNA splicing.

Labcorp Genetics (formerly Invitae), Labcorp
Classification: Likely benign for Tuberous sclerosis 1. Last evaluated: 2024-05-28. Review status: criteria provided, single submitter. Criteria: Invitae Variant Classification Sherloc (09022015). Collection method: clinical testing. Allele origin: germline.

Blueprint Genetics
Classification: Uncertain significance. Last evaluated: 2021-03-19. Review status: criteria provided, single submitter. Criteria: ACMG Guidelines, 2015. Collection method: clinical testing. Allele origin: germline.

NM_000368.5(TSC1):c.107-8T>C

Gene: TSC1 (TSC complex subunit 1; minus strand). Cytogenetic location: 9q34.13.
Variant type: single nucleotide variant.
Coding change: c.107-8T>C on transcript NM_000368.5 (MANE Select); 8 bases into the intron before coding-DNA position 107, T replaced by C.
Molecular consequence: intron variant.
Genome position (GRCh38, 1-based): chr9:132,927,312, A>G on the plus strand (T>C on the coding strand, the complement: TSC1 is on the minus strand). VCF-style: chr9-132927312-A-G. GRCh37 (hg19) VCF-style: chr9-135802699-A-G.
Other names: c.-154+1455T>C (NM_001362177.2); c.107-8T>C (NM_001162427.2, NM_001162426.2).
Identifiers: ClinVar variation 1130857 (VCV001130857.11), dbSNP rs763234027, ClinGen allele CA026996.
Genomic context (GRCh38, chr9:132,927,312, plus strand): 5'-GCTGGTTTCCAGGTAATAATCCACCAAGGTGTTTACAAGCATAGGGCCACGGTCTAAATC[A>G]AGAAAAGGGCAATGGATGATACTTATTCCCCTTAACATCCTAAATTTACCTTACACAGCT-3'